The following is an entry in ClinVar:

ClinVar aggregate classification (germline): Uncertain significance (1 of 4 stars; one submission).

Conditions:
Hereditary breast ovarian cancer syndrome. Also called: Hereditary breast and ovarian cancer syndrome; Hereditary breast and ovarian cancer; BRCA1- and BRCA2-Associated Hereditary Breast and Ovarian Cancer; Hereditary breast and/or ovarian cancer syndrome; Hereditary breast and ovarian cancer syndrome (HBOC); Breast and ovarian cancer. Identifiers: Orphanet 145, MedGen C0677776, MeSH D061325, MONDO:0003582. Disease mechanism: loss of function.

Submission:

Labcorp Genetics (formerly Invitae), Labcorp
Classification: Uncertain significance for Hereditary breast ovarian cancer syndrome. Last evaluated: 2025-07-30. Review status: criteria provided, single submitter. Criteria: Invitae Variant Classification Sherloc (09022015). Collection method: clinical testing. Allele origin: germline.
Comment: This sequence change replaces methionine, which is neutral and non-polar, with isoleucine, which is neutral and non-polar, at codon 192 of the BRCA2 protein (p.Met192Ile). This variant is not present in population databases (gnomAD no frequency). This variant has not been reported in the literature in individuals affected with BRCA2-related conditions. ClinVar contains an entry for this variant (Variation ID: 1388581). Invitae Evidence Modeling of protein sequence and biophysical properties (such as structural, functional, and spatial information, amino acid conservation, physicochemical variation, residue mobility, and thermodynamic stability) indicates that this missense variant is not expected to disrupt BRCA2 protein function with a negative predictive value of 95%. In summary, the available evidence is currently insufficient to determine the role of this variant in disease. Therefore, it has been classified as a Variant of Uncertain Significance.

NM_000059.4(BRCA2):c.576G>T (p.Met192Ile)

Gene: BRCA2 (BRCA2 DNA repair associated; plus strand). Cytogenetic location: 13q13.1.
Variant type: single nucleotide variant.
Coding change: c.576G>T on transcript NM_000059.4 (MANE Select); coding-DNA position 576, G replaced by T.
Protein change: p.Met192Ile; replaces methionine 192 with isoleucine.
Molecular consequence: missense variant.
Genome position (GRCh38, 1-based): chr13:32,326,558, G>T. VCF-style: chr13-32326558-G-T. GRCh37 (hg19) VCF-style: chr13-32900695-G-T.
Other names: short protein forms M192I.
Identifiers: ClinVar variation 1388581 (VCV001388581.8), dbSNP rs983380958, ClinGen allele CA247489046.
Genomic context (GRCh38, chr13:32,326,558, plus strand): 5'-GGGTCGTCAGACACCAAAACATATTTCTGAAAGTCTAGGAGCTGAGGTGGATCCTGATAT[G>T]TCTTGGTCAAGTTCTTTAGCTACACCACCCACCCTTAGTTCTACTGTGCTCATAGGTAAT-3'
Protein context (NP_000050.3, residues 182-202): ESLGAEVDPD[Met192Ile]SWSSSLATPP